The following is an entry in ClinVar:

NM_002439.5(MSH3):c.2227_2228del (p.Gln743fs)

Gene: MSH3 (mutS homolog 3; plus strand). Cytogenetic location: 5q14.1.
Variant type: Microsatellite.
Coding change: c.2227_2228del on transcript NM_002439.5 (MANE Select); coding-DNA positions 2227 to 2228, 2 bases deleted (CA; older notation c.2227_2228delCA).
Protein change: p.Gln743fs; shifts the reading frame from glutamine 743.
Molecular consequence: frameshift variant.
Genome position (GRCh38, 1-based): chr5:80,768,977-80,768,978, CA deleted; deleting any 2 consecutive bases within chr5:80,768,975-80,768,978 gives the same sequence; the c. name uses the placement nearest the transcript's 3' end. VCF-style (leftmost placement, unchanged base first): chr5-80768974-GCA-G. GRCh37 (hg19) VCF-style: chr5-80064793-GCA-G.
Other names: c.2227_2228delCA (NM_002439.3); short protein forms Q743fs.
Identifiers: ClinVar variation 1695132 (VCV001695132.35), dbSNP rs1371600437, ClinGen allele CA814452799.

ClinVar aggregate classification (germline): Pathogenic/Likely pathogenic. Review status: criteria provided, multiple submitters, no conflicts (2 of 4 stars). 4 submissions from 4 submitters: Pathogenic (3); Likely pathogenic (1). Last evaluated 2025-01-23.

Conditions:
Familial adenomatous polyposis 4 (FAP4). Also called: MSH3-related attenuated familial adenomatous polyposis. Identifiers: Orphanet 480536, MedGen C4310719, MONDO:0044300, OMIM 617100.
Hereditary cancer-predisposing syndrome. Also called: Neoplastic Syndromes, Hereditary; Hereditary neoplastic syndrome; Tumor predisposition; Hereditary Cancer Syndrome. Identifiers: Orphanet 140162, MedGen C0027672, MeSH D009386, MONDO:0015356.

Submissions (4):

Ambry Genetics
Classification: Pathogenic for Hereditary cancer-predisposing syndrome. Last evaluated: 2025-01-23. Review status: criteria provided, single submitter. Criteria: Ambry Variant Classification Scheme 2023. Collection method: clinical testing. Allele origin: germline.
Comment: The c.2227_2228delCA pathogenic mutation, located in coding exon 15 of the MSH3 gene, results from a deletion of two nucleotides at nucleotide positions 2227 to 2228, causing a translational frameshift with a predicted alternate stop codon (p.Q743Ifs*24). This variant is considered to be rare based on population cohorts in the Genome Aggregation Database (gnomAD). This alteration is expected to result in loss of function by premature protein truncation or nonsense-mediated mRNA decay. As such, this alteration is interpreted as a disease-causing mutation.

Labcorp Genetics (formerly Invitae), Labcorp
Classification: Pathogenic. Last evaluated: 2023-10-04. Review status: criteria provided, single submitter. Criteria: Invitae Variant Classification Sherloc (09022015). Collection method: clinical testing. Allele origin: germline.
Comment: This sequence change creates a premature translational stop signal (p.Gln743Ilefs*24) in the MSH3 gene. It is expected to result in an absent or disrupted protein product. Loss-of-function variants in MSH3 are known to be pathogenic (PMID: 27476653, 37402566). This variant is not present in population databases (gnomAD no frequency). This variant has not been reported in the literature in individuals affected with MSH3-related conditions. For these reasons, this variant has been classified as Pathogenic.

Myriad Genetics, Inc.
Classification: Pathogenic for Familial adenomatous polyposis 4. Last evaluated: 2023-08-30. Review status: criteria provided, single submitter. Criteria: Myriad Autosomal Dominant, Autosomal Recessive and X-Linked Classification Criteria (2023). Collection method: clinical testing. Allele origin: unknown.
Comment: This variant is considered pathogenic. This variant creates a frameshift predicted to result in premature protein truncation.

CeGaT Center for Human Genetics Tuebingen
Classification: Likely pathogenic. Last evaluated: 2022-04-01. Review status: criteria provided, single submitter. Criteria: CeGaT Center For Human Genetics Tuebingen Variant Classification Criteria Version 2. Collection method: clinical testing. Allele origin: germline. Affected: yes. Observed: 1 variant allele.
Comment: MSH3: PVS1:Strong, PM2

Literature cited by the submitters: PubMed 27476653 (cited by Labcorp Genetics (formerly Invitae), Labcorp); PubMed 37402566 (cited by Labcorp Genetics (formerly Invitae), Labcorp).